The following is an entry in ClinVar:

NM_004056.6(CA8):c.339C>T (p.Tyr113=)

Gene: CA8 (carbonic anhydrase 8 (inactive); minus strand). Cytogenetic location: 8q12.1.
Variant type: single nucleotide variant.
Coding change: c.339C>T on transcript NM_004056.6 (MANE Select); coding-DNA position 339, C replaced by T.
Protein change: p.Tyr113=; no amino-acid change (tyrosine 113 retained).
Molecular consequence: synonymous variant. On other transcripts: non-coding transcript variant (1).
Genome position (GRCh38, 1-based): chr8:60,266,003, G>A on the plus strand (C>T on the coding strand, the complement: CA8 is on the minus strand). VCF-style: chr8-60266003-G-A. GRCh37 (hg19) VCF-style: chr8-61178562-G-A.
Other names: c.339C>T, p.Tyr113= (NM_001321837.2, NM_001321838.2, NM_001321839.2).
Identifiers: ClinVar variation 3905644 (VCV003905644.10).
Genomic context (GRCh38, chr8:60,266,003, plus strand): 5'-GAAATTAACCGTGTGCTCAGAACCACGCTGGTTTTCTCTTCCCCAGTGAAATCTCACTTC[G>A]TACAGTTCAAATTCATGCCCTTGAGGCAATGGTCCTCCCGAAAGAACTGAAAAAGAAAAT-3'
Protein context (NP_004047.3, residues 103-123): PLPQGHEFEL[Tyr113=]EVRFHWGREN

ClinVar aggregate classification (germline): Likely benign (1 of 4 stars; one submission).

gnomAD v4.1: 49 of 1,613,442 alleles (0.003%); highest among the groups gnomAD compares: South Asian, 0.02%; no homozygotes.

Submission:

CeGaT Center for Human Genetics Tuebingen
Classification: Likely benign. Last evaluated: 2025-04-01. Review status: criteria provided, single submitter. Criteria: CeGaT Center For Human Genetics Tuebingen Variant Classification Criteria Version 2. Collection method: clinical testing. Allele origin: germline. Affected: yes. Observed: 1 variant allele.
Comment: CA8: BP4, BP7